The following is an entry in ClinVar:

NM_014140.4(SMARCAL1):c.127G>A (p.Ala43Thr)

Gene: SMARCAL1 (SNF2 related chromatin remodeling annealing helicase 1; plus strand). Cytogenetic location: 2q35.
Variant type: single nucleotide variant.
Coding change: c.127G>A on transcript NM_014140.4 (MANE Select); coding-DNA position 127, G replaced by A.
Protein change: p.Ala43Thr; replaces alanine 43 with threonine.
Molecular consequence: missense variant.
Genome position (GRCh38, 1-based): chr2:216,414,831, G>A. VCF-style: chr2-216414831-G-A. GRCh37 (hg19) VCF-style: chr2-217279554-G-A.
Other names: c.127G>A, p.Ala43Thr (NM_001127207.2); short protein forms A43T.
Identifiers: ClinVar variation 260337 (VCV000260337.25), dbSNP rs2066524, ClinGen allele CA2097561.

ClinVar aggregate classification (germline): Benign/Likely benign. Review status: criteria provided, multiple submitters, no conflicts (2 of 4 stars). 9 submissions from 9 submitters: Benign (4); Likely benign (2). 3 of the submissions do not count toward it. Last evaluated 2026-02-01.

Conditions:
Schimke immuno-osseous dysplasia (SIOD). Also called: Schimke Immunoosseous Dysplasia. Identifiers: Orphanet 1830, MedGen C0877024, MONDO:0009458, OMIM 242900.

Allele frequency attached by ClinVar (database versions not stated): ExAC 0.00402; gnomAD 0.01347 and 0.01441; TOPMed 0.01521; 1000 Genomes Project 0.01617; ESP Exome Variant Server 0.01653; 1000 Genomes Project 30x 0.01702.

Submissions (9):

Labcorp Genetics (formerly Invitae), Labcorp
Classification: Benign for Schimke immuno-osseous dysplasia. Last evaluated: 2026-02-01. Review status: criteria provided, single submitter. Criteria: Invitae Variant Classification Sherloc (09022015). Collection method: clinical testing. Allele origin: germline.

ARUP Laboratories, Molecular Genetics and Genomics, ARUP Laboratories
Classification: Benign for Schimke immuno-osseous dysplasia. Last evaluated: 2025-02-25. Review status: criteria provided, single submitter. Criteria: ARUP Molecular Germline Variant Investigation Process 2024. Collection method: clinical testing. Allele origin: germline.

GeneDx
Classification: Likely benign. Last evaluated: 2024-01-13. Review status: criteria provided, single submitter. Criteria: GeneDx Variant Classification Process June 2021. Collection method: clinical testing. Allele origin: germline. Affected: yes.
Comment: See Variant Classification Assertion Criteria.

Illumina Laboratory Services, Illumina
Classification: Benign for Schimke immuno-osseous dysplasia. Last evaluated: 2018-01-13. Review status: criteria provided, single submitter. Criteria: ICSL Variant Classification Criteria 13 December 2019. Collection method: clinical testing. Allele origin: germline.
Comment: This variant was observed in the ICSL laboratory as part of a predisposition screen in an ostensibly healthy population. It had not been previously curated by ICSL or reported in the Human Gene Mutation Database (HGMD: prior to June 1st, 2018), and was therefore a candidate for classification through an automated scoring system. Utilizing variant allele frequency, disease prevalence and penetrance estimates, and inheritance mode, an automated score was calculated to assess if this variant is too frequent to cause the disease. Based on the score and internal cut-off values, a variant classified as benign is not then subjected to further curation. The score for this variant resulted in a classification of benign for this disease.

Breakthrough Genomics
Classification: Likely benign. Review status: criteria provided, single submitter. Criteria: ACMG Guidelines, 2015. Collection method: not provided. Allele origin: germline. Inheritance: Autosomal recessive inheritance. Affected: yes.

PreventionGenetics, part of Exact Sciences
Classification: Benign. Review status: criteria provided, single submitter. Criteria: ACMG Guidelines, 2015. Collection method: clinical testing. Allele origin: germline.

Natera, Inc.
Classification: Benign for Schimke immuno-osseous dysplasia. Last evaluated: 2020-09-16. Review status: no assertion criteria provided. Collection method: clinical testing. Allele origin: germline. Not counted in ClinVar's aggregate classification.

Genome Diagnostics Laboratory, University Medical Center Utrecht
Classification: Benign. Review status: no assertion criteria provided. Collection method: clinical testing. Allele origin: germline. Affected: yes. Study: VKGL Data-share Consensus. Not counted in ClinVar's aggregate classification.

Laboratory of Diagnostic Genome Analysis, Leiden University Medical Center (LUMC)
Classification: Likely benign. Review status: no assertion criteria provided. Collection method: clinical testing. Allele origin: germline. Affected: yes. Study: VKGL Data-share Consensus. Not counted in ClinVar's aggregate classification.